The following is an entry in ClinVar:

NM_000548.5(TSC2):c.2856C>A (p.Pro952=)

Gene: TSC2 (TSC complex subunit 2; plus strand). Cytogenetic location: 16p13.3.
Variant type: single nucleotide variant.
Coding change: c.2856C>A on transcript NM_000548.5 (MANE Select); coding-DNA position 2856, C replaced by A.
Protein change: p.Pro952=; no amino-acid change (proline 952 retained).
Molecular consequence: synonymous variant. On other transcripts: intron variant (9).
Genome position (GRCh38, 1-based): chr16:2,077,616, C>A. VCF-style: chr16-2077616-C-A. GRCh37 (hg19) VCF-style: chr16-2127617-C-A.
Other names: c.2856C>A, p.Pro952= (NM_001114382.3); c.2837+1031C>A (NM_021055.3, NM_001370405.1, NM_001363528.2 and 2 more transcripts); c.2726+1031C>A (NM_001318827.2); c.2237+1031C>A (NM_001318831.2); c.2690+1031C>A (NM_001318829.2); c.2870+1031C>A (NM_001318832.2).
Identifiers: ClinVar variation 233428 (VCV000233428.7), dbSNP rs876660401, ClinGen allele CA10579890.

ClinVar aggregate classification (germline): Benign/Likely benign. Review status: criteria provided, multiple submitters, no conflicts (2 of 4 stars). 3 submissions from 3 submitters: Benign (2); Likely benign (1). Last evaluated 2025-05-27.

Conditions:
Tuberous sclerosis 2 (TSC2). Identifiers: Orphanet 805, MedGen C1860707, MONDO:0013199, OMIM 613254.
Hereditary cancer-predisposing syndrome. Also called: Tumor predisposition; Hereditary Cancer Syndrome; Hereditary neoplastic syndrome; Neoplastic Syndromes, Hereditary. Identifiers: Orphanet 140162, MedGen C0027672, MeSH D009386, MONDO:0015356.

Allele frequency attached by ClinVar (database versions not stated): gnomAD exomes below 0.00001.
gnomAD v4.1: 2 of 1,613,208 alleles (0.00012%); highest among the groups gnomAD compares: South Asian, 0.0022%; no homozygotes.

Submissions (3):

Myriad Genetics, Inc.
Classification: Benign for Tuberous sclerosis 2. Last evaluated: 2025-05-27. Review status: criteria provided, single submitter. Criteria: Myriad Autosomal Dominant, Autosomal Recessive and X-Linked Classification Criteria (2023). Collection method: clinical testing. Allele origin: unknown.
Comment: This variant is considered benign. This variant is a silent/synonymous amino acid change and it is not expected to impact splicing.

Labcorp Genetics (formerly Invitae), Labcorp
Classification: Benign for Tuberous sclerosis 2. Last evaluated: 2025-05-21. Review status: criteria provided, single submitter. Criteria: Invitae Variant Classification Sherloc (09022015). Collection method: clinical testing. Allele origin: germline.

Ambry Genetics
Classification: Likely benign for Hereditary cancer-predisposing syndrome. Last evaluated: 2015-08-17. Review status: criteria provided, single submitter. Criteria: Ambry Variant Classification Scheme 2023. Collection method: clinical testing. Allele origin: germline.